The following is an entry in ClinVar:

ClinVar aggregate classification (germline): Uncertain significance (1 of 4 stars; one submission).

Conditions:
Tuberous sclerosis 2 (TSC2). Identifiers: Orphanet 805, MedGen C1860707, MONDO:0013199, OMIM 613254.

Submission:

Labcorp Genetics (formerly Invitae), Labcorp
Classification: Uncertain significance for Tuberous sclerosis 2. Last evaluated: 2024-02-13. Review status: criteria provided, single submitter. Criteria: Invitae Variant Classification Sherloc (09022015). Collection method: clinical testing. Allele origin: germline.
Comment: This sequence change falls in intron 14 of the TSC2 gene. It does not directly change the encoded amino acid sequence of the TSC2 protein. This variant is not present in population databases (gnomAD no frequency). This variant has not been reported in the literature in individuals affected with TSC2-related conditions. Algorithms developed to predict the effect of sequence changes on RNA splicing suggest that this variant may create or strengthen a splice site. In summary, the available evidence is currently insufficient to determine the role of this variant in disease. Therefore, it has been classified as a Variant of Uncertain Significance.

NM_000548.5(TSC2):c.1444-7T>G

Gene: TSC2 (TSC complex subunit 2; plus strand). Cytogenetic location: 16p13.3.
Variant type: single nucleotide variant.
Coding change: c.1444-7T>G on transcript NM_000548.5 (MANE Select); 7 bases into the intron before coding-DNA position 1444, T replaced by G.
Molecular consequence: intron variant.
Genome position (GRCh38, 1-based): chr16:2,064,265, T>G. VCF-style: chr16-2064265-T-G. GRCh37 (hg19) VCF-style: chr16-2114266-T-G.
Other names: c.1444-7T>G (NM_001114382.3, NM_001406663.1, NM_001406664.1 and 6 more transcripts); c.100-7T>G (NM_001406694.1, NM_001406695.1, NM_001406696.1 and 6 more transcripts); c.1432-7T>G (NM_001406671.1, NM_001406673.1); c.982-7T>G (NM_001406681.1); c.1333-7T>G (NM_001406670.1, NM_001318827.2, NM_001406678.1); c.844-7T>G (NM_001406682.1, NM_001406684.1, NM_001406685.1 and 6 more transcripts); c.1387-7T>G (NM_001406677.1); c.1297-7T>G (NM_001406675.1, NM_001406676.1, NM_001318829.2 and 1 more transcripts); and 3 more.
Identifiers: ClinVar variation 3640539 (VCV003640539.2).